The following is an entry in ClinVar:

NM_000179.3(MSH6):c.1954G>T (p.Gly652Trp)

Gene: MSH6 (mutS homolog 6; plus strand). Cytogenetic location: 2p16.3.
Variant type: single nucleotide variant.
Coding change: c.1954G>T on transcript NM_000179.3 (MANE Select); coding-DNA position 1954, G replaced by T.
Protein change: p.Gly652Trp; replaces glycine 652 with tryptophan.
Molecular consequence: missense variant.
Genome position (GRCh38, 1-based): chr2:47,799,937, G>T. VCF-style: chr2-47799937-G-T. GRCh37 (hg19) VCF-style: chr2-48027076-G-T.
Other names: c.1564G>T, p.Gly522Trp (NM_001281492.2); c.1048G>T, p.Gly350Trp (NM_001281493.2, NM_001281494.2); short protein forms G652W, G522W, G350W.
Identifiers: ClinVar variation 455166 (VCV000455166.14), dbSNP rs1553413323, ClinGen allele CA346750566.

ClinVar aggregate classification (germline): Uncertain significance. Review status: criteria provided, multiple submitters, no conflicts (2 of 4 stars). 3 submissions from 3 submitters: Uncertain significance (3). Last evaluated 2025-07-13.

Conditions:
Hereditary nonpolyposis colorectal neoplasms. Identifiers: MedGen C0009405, MeSH D003123.
Hereditary cancer-predisposing syndrome. Also called: Hereditary Cancer Syndrome; Hereditary neoplastic syndrome; Neoplastic Syndromes, Hereditary; Tumor predisposition. Identifiers: Orphanet 140162, MedGen C0027672, MeSH D009386, MONDO:0015356.
Lynch syndrome. Identifiers: Orphanet 144, MedGen C4552100, MONDO:0005835. Disease mechanism: loss of function.

Submissions (3):

Ambry Genetics
Classification: Uncertain significance for Hereditary cancer-predisposing syndrome. Last evaluated: 2025-07-13. Review status: criteria provided, single submitter. Criteria: Ambry Variant Classification Scheme 2023. Collection method: clinical testing. Allele origin: germline.
Comment: The p.G652W variant (also known as c.1954G>T), located in coding exon 4 of the MSH6 gene, results from a G to T substitution at nucleotide position 1954. The glycine at codon 652 is replaced by tryptophan, an amino acid with highly dissimilar properties. This amino acid position is not well conserved in available vertebrate species. In addition, the in silico prediction for this alteration is inconclusive. Since supporting evidence is limited at this time, the clinical significance of this alteration remains unclear.

Labcorp Genetics (formerly Invitae), Labcorp
Classification: Uncertain significance for Hereditary nonpolyposis colorectal neoplasms. Last evaluated: 2024-03-19. Review status: criteria provided, single submitter. Criteria: Invitae Variant Classification Sherloc (09022015). Collection method: clinical testing. Allele origin: germline.
Comment: This sequence change replaces glycine, which is neutral and non-polar, with tryptophan, which is neutral and slightly polar, at codon 652 of the MSH6 protein (p.Gly652Trp). This variant is not present in population databases (gnomAD no frequency). This missense change has been observed in individual(s) with clinical features of MSH6-related conditions (PMID: 31391288). ClinVar contains an entry for this variant (Variation ID: 455166). Advanced modeling of protein sequence and biophysical properties (such as structural, functional, and spatial information, amino acid conservation, physicochemical variation, residue mobility, and thermodynamic stability) performed at Invitae indicates that this missense variant is not expected to disrupt MSH6 protein function with a negative predictive value of 95%. In summary, the available evidence is currently insufficient to determine the role of this variant in disease. Therefore, it has been classified as a Variant of Uncertain Significance.

All of Us Research Program, National Institutes of Health
Classification: Uncertain significance for Lynch syndrome. Last evaluated: 2023-04-27. Review status: criteria provided, single submitter. Criteria: ACMG Guidelines, 2015. Collection method: clinical testing. Allele origin: germline. Inheritance: Autosomal dominant inheritance. Observed: 1 variant allele, 1 heterozygote.
Comment: This study involves interpretation of variants in research participants for the purpose of population health screening. Participant phenotype was not available at the time of variant classification. Additional details can be found in publication PMID: 35346344, PMCID: PMC8962531

Literature cited by the submitters: PubMed 31391288 (cited by Labcorp Genetics (formerly Invitae), Labcorp).